The following is an entry in ClinVar:

ClinVar aggregate classification (germline): Uncertain significance (1 of 4 stars; one submission).

Allele frequency attached by ClinVar (database versions not stated): ExAC 0.00001.
gnomAD v4.1: 23 of 1,614,220 alleles (0.0014%); highest among the groups gnomAD compares: Non-Finnish European, 0.0016%; no homozygotes.

Submission:

Labcorp Genetics (formerly Invitae), Labcorp
Classification: Uncertain significance. Last evaluated: 2021-08-11. Review status: criteria provided, single submitter. Criteria: Invitae Variant Classification Sherloc (09022015). Collection method: clinical testing. Allele origin: germline.
Comment: This sequence change replaces serine with arginine at codon 1547 of the CEP152 protein (p.Ser1547Arg). The serine residue is weakly conserved and there is a moderate physicochemical difference between serine and arginine. This variant is present in population databases (rs754432509, ExAC 0.001%). This variant has not been reported in the literature in individuals affected with CEP152-related conditions. Algorithms developed to predict the effect of missense changes on protein structure and function (SIFT, PolyPhen-2, Align-GVGD) all suggest that this variant is likely to be tolerated. In summary, the available evidence is currently insufficient to determine the role of this variant in disease. Therefore, it has been classified as a Variant of Uncertain Significance.

NM_001194998.2(CEP152):c.4807A>C (p.Ser1603Arg)

Gene: CEP152 (centrosomal protein 152; minus strand). Cytogenetic location: 15q21.1.
Variant type: single nucleotide variant.
Coding change: c.4807A>C on transcript NM_001194998.2 (MANE Select); coding-DNA position 4807, A replaced by C.
Protein change: p.Ser1603Arg; replaces serine 1603 with arginine.
Molecular consequence: missense variant.
Genome position (GRCh38, 1-based): chr15:48,738,575, T>G on the plus strand (A>C on the coding strand, the complement: CEP152 is on the minus strand). VCF-style: chr15-48738575-T-G. GRCh37 (hg19) VCF-style: chr15-49030772-T-G.
Other names: c.4639A>C, p.Ser1547Arg (NM_014985.4); short protein forms S1603R, S1547R.
Identifiers: ClinVar variation 1409214 (VCV001409214.3), dbSNP rs754432509, ClinGen allele CA7548032.
Genomic context (GRCh38, chr15:48,738,575, plus strand): 5'-TTTCCTCTGTATCTGAAAGATAACCGGATGGTGAAAACTGTTTGGATTTAACAGATTCAC[T>G]TGGTATTTCCAAAGTTCCTTGTGGCCTACCATGTACAAATGATGCTTCACGACTGTCAAA-3'
Protein context (NP_001181927.1, residues 1593-1613): GRPQGTLEIP[Ser1603Arg]ESVKSKQFSP